The following is an entry in ClinVar:

ClinVar aggregate classification (germline): Uncertain significance (1 of 4 stars; one submission).

Submission:

Labcorp Genetics (formerly Invitae), Labcorp
Classification: Uncertain significance. Last evaluated: 2025-06-12. Review status: criteria provided, single submitter. Criteria: Invitae Variant Classification Sherloc (09022015). Collection method: clinical testing. Allele origin: germline.
Comment: This sequence change replaces methionine, which is neutral and non-polar, with valine, which is neutral and non-polar, at codon 1365 of the SRCAP protein (p.Met1365Val). This variant is not present in population databases (gnomAD no frequency). This variant has not been reported in the literature in individuals affected with SRCAP-related conditions. ClinVar contains an entry for this variant (Variation ID: 3606323). Invitae Evidence Modeling of protein sequence and biophysical properties (such as structural, functional, and spatial information, amino acid conservation, physicochemical variation, residue mobility, and thermodynamic stability) indicates that this missense variant is not expected to disrupt SRCAP protein function with a negative predictive value of 80%. In summary, the available evidence is currently insufficient to determine the role of this variant in disease. Therefore, it has been classified as a Variant of Uncertain Significance.

NM_006662.3(SRCAP):c.4093A>G (p.Met1365Val)

Gene: SRCAP (Snf2 related CREBBP activator protein; plus strand). Cytogenetic location: 16p11.2.
Variant type: single nucleotide variant.
Coding change: c.4093A>G on transcript NM_006662.3 (MANE Select); coding-DNA position 4093, A replaced by G.
Protein change: p.Met1365Val; replaces methionine 1365 with valine.
Molecular consequence: missense variant.
Genome position (GRCh38, 1-based): chr16:30,723,163, A>G. VCF-style: chr16-30723163-A-G. GRCh37 (hg19) VCF-style: chr16-30734484-A-G.
Other names: short protein forms M1365V.
Identifiers: ClinVar variation 3606323 (VCV003606323.2).